The following is an entry in ClinVar:

ClinVar aggregate classification (germline): Conflicting classifications of pathogenicity. Review status: criteria provided, conflicting classifications (1 of 4 stars). 2 submissions from 2 submitters: Likely pathogenic (1); Uncertain significance (1). Last evaluated 2023-05-12.

Allele frequency attached by ClinVar (database versions not stated): gnomAD exomes below 0.00001; ExAC 0.00001; TOPMed 0.00001.
gnomAD v4.1: 5 of 1,611,110 alleles (0.00031%); highest among the groups gnomAD compares: East Asian, 0.0022%; no homozygotes.

Submissions (2):

Greenwood Genetic Center Diagnostic Laboratories, Greenwood Genetic Center
Classification: Uncertain significance. Last evaluated: 2023-05-12. Review status: criteria provided, single submitter. Criteria: ACMG Guidelines, 2015. Collection method: clinical testing. Allele origin: germline. Affected: yes.
Comment: PM2

GeneDx
Classification: Likely pathogenic. Last evaluated: 2017-09-14. Review status: criteria provided, single submitter. Criteria: GeneDx Variant Classification (06012015). Collection method: clinical testing. Allele origin: germline. Affected: yes.
Comment: The c.863+5G>A variant in the KPTN gene has not been reported previously as a pathogenic variant nor as a benign variant, to our knowledge. This variant reduces the quality of the splice donor site in intron 9, and is expected to cause abnormal gene splicing. This variant is not observed in large population cohorts (Lek et al., 2016; 1000 Genomes Consortium et al., 2015; Exome Variant Server). We interpret c.863+5G>A as a likely pathogenic variant.

NM_007059.4(KPTN):c.863+5G>A

Gene: KPTN (kaptin, actin binding protein; minus strand). Cytogenetic location: 19q13.32.
Variant type: single nucleotide variant.
Coding change: c.863+5G>A on transcript NM_007059.4 (MANE Select); 5 bases into the intron after coding-DNA position 863, G replaced by A.
Molecular consequence: intron variant.
Genome position (GRCh38, 1-based): chr19:47,477,701, C>T on the plus strand (G>A on the coding strand, the complement: KPTN is on the minus strand). VCF-style: chr19-47477701-C-T. GRCh37 (hg19) VCF-style: chr19-47980958-C-T.
Other names: c.695+5G>A (NM_001291296.2).
Identifiers: ClinVar variation 452093 (VCV000452093.3), dbSNP rs774473819, ClinGen allele CA9540287.